The following is an entry in ClinVar:

ClinVar aggregate classification (germline): Pathogenic. Review status: criteria provided, multiple submitters, no conflicts (2 of 4 stars). 2 submissions from 2 submitters: Pathogenic (2). Last evaluated 2023-11-28.

Conditions:
X-linked agammaglobulinemia (XLA). Also called: IMMUNODEFICIENCY 1; Agammaglobulinemia, Bruton tyrosine kinase; Agammaglobulinemia, BTK; BTK-deficiency; Bruton's agammaglobulinemia; AGAMMAGLOBULINEMIA, X-LINKED, TYPE 1. Identifiers: Orphanet 229717, Orphanet 47, MedGen C0221026, MONDO:0010421, OMIM 300755.
X-linked agammaglobulinemia with growth hormone deficiency (IGHD3). Also called: HYPOGAMMAGLOBULINEMIA AND ISOLATED GROWTH HORMONE DEFICIENCY, X-LINKED; IGHD III; Isolated growth hormone deficiency type 3; Growth hormone deficiency with hypogammaglobulinemia; AGAMMAGLOBULINEMIA AND ISOLATED GROWTH HORMONE DEFICIENCY, X-LINKED; ISOLATED GROWTH HORMONE DEFICIENCY, TYPE III, WITH AGAMMAGLOBULINEMIA. Identifiers: Orphanet 231692, Orphanet 631, MedGen C0472813, MONDO:0010615, OMIM 307200.

Submissions (2):

Labcorp Genetics (formerly Invitae), Labcorp
Classification: Pathogenic for X-linked agammaglobulinemia with growth hormone deficiency. Last evaluated: 2023-11-28. Review status: criteria provided, single submitter. Criteria: Invitae Variant Classification Sherloc (09022015). Collection method: clinical testing. Allele origin: germline.
Comment: This sequence change creates a premature translational stop signal (p.Tyr241Leufs*17) in the BTK gene. It is expected to result in an absent or disrupted protein product. Loss-of-function variants in BTK are known to be pathogenic (PMID: 15661032, 16862044, 19419768). This variant is not present in population databases (gnomAD no frequency). This variant has not been reported in the literature in individuals affected with BTK-related conditions. ClinVar contains an entry for this variant (Variation ID: 804064). For these reasons, this variant has been classified as Pathogenic.

Mendelics
Classification: Pathogenic for X-linked agammaglobulinemia. Last evaluated: 2019-05-28. Review status: criteria provided, single submitter. Criteria: Mendelics Assertion Criteria 2017. Collection method: clinical testing. Allele origin: unknown.

Literature cited by the submitters: PubMed 15661032 (cited by Labcorp Genetics (formerly Invitae), Labcorp); PubMed 16862044 (cited by Labcorp Genetics (formerly Invitae), Labcorp); PubMed 19419768 (cited by Labcorp Genetics (formerly Invitae), Labcorp).

NM_000061.3(BTK):c.721dup (p.Tyr241fs)

Gene: BTK (Bruton tyrosine kinase; minus strand). Cytogenetic location: Xq22.1.
Variant type: Duplication.
Coding change: c.721dup on transcript NM_000061.3 (MANE Select); coding-DNA position 721, one base duplicated (T; older notation c.721dupT).
Protein change: p.Tyr241fs; shifts the reading frame from tyrosine 241.
Molecular consequence: frameshift variant.
Genome position (GRCh38, 1-based): chrX:101,360,623, A duplicated on the plus strand (T on the coding strand, the reverse complement: BTK is on the minus strand). VCF-style (leftmost placement, unchanged base first): chrX-101360622-T-TA. GRCh37 (hg19) VCF-style: chrX-100615610-T-TA.
Other names: c.823dup, p.Tyr275fs (NM_001287344.2); c.721dup, p.Tyr241fs (NM_001287345.2); short protein forms Y241fs, Y275fs.
Identifiers: ClinVar variation 804064 (VCV000804064.4), dbSNP rs1603008381, ClinGen allele CA915951317.
Genomic context (GRCh38, chrX:101,360,622, plus strand): 5'-ACTCACCCATTTTTATCTCGTGCTCTCCACCATGGTAAGTTGCTTTCCTCCAAGATAAAA[T>TA]ATTCATCACCCTTCCGCAGCTGTAGATCATTTGCATTCATTGGCATGTAATCATAAAGGG-3'